The following is an entry in ClinVar:

NM_001282717.2(STAG3):c.954T>C (p.Pro318=)

Gene: STAG3 (STAG3 cohesin complex component; plus strand). Cytogenetic location: 7q22.1.
Variant type: single nucleotide variant.
Coding change: c.954T>C on transcript NM_001282717.2 (MANE Select); coding-DNA position 954, T replaced by C.
Protein change: p.Pro318=; no amino-acid change (proline 318 retained).
Molecular consequence: synonymous variant.
Genome position (GRCh38, 1-based): chr7:100,197,168, T>C. VCF-style: chr7-100197168-T-C. GRCh37 (hg19) VCF-style: chr7-99794791-T-C.
Other names: c.954T>C, p.Pro318= (NM_001282716.1, NM_001375438.1, NM_012447.4); c.780T>C, p.Pro260= (NM_001282718.2).
Identifiers: ClinVar variation 3357763 (VCV003357763.1).

ClinVar aggregate classification (germline): Likely benign (0 of 4 stars; one submission).

Conditions:
STAG3-related disorder. Also called: STAG3-related condition.

gnomAD v4.1: 22 of 1,600,980 alleles (0.0014%); highest among the groups gnomAD compares: Admixed American, 0.02%; no homozygotes.

Submission:

PreventionGenetics, part of Exact Sciences
Classification: Likely benign for STAG3-related condition. Last evaluated: 2024-03-07. Review status: no assertion criteria provided. Collection method: clinical testing. Allele origin: germline.
Comment: This variant is classified as likely benign based on ACMG/AMP sequence variant interpretation guidelines (Richards et al. 2015 PMID: 25741868, with internal and published modifications).